The following is an entry in ClinVar:

ClinVar aggregate classification (germline): Likely pathogenic (1 of 4 stars; one submission).

Submission:

Labcorp Genetics (formerly Invitae), Labcorp
Classification: Likely pathogenic. Last evaluated: 2023-12-04. Review status: criteria provided, single submitter. Criteria: Invitae Variant Classification Sherloc (09022015). Collection method: clinical testing. Allele origin: germline.
Comment: This sequence change affects a splice site in intron 6 of the TOP3A gene. It is expected to disrupt RNA splicing. Variants that disrupt the donor or acceptor splice site typically lead to a loss of protein function (PMID: 16199547), and loss-of-function variants in TOP3A are known to be pathogenic (PMID: 30057030). This variant is not present in population databases (gnomAD no frequency). This variant has not been reported in the literature in individuals affected with TOP3A-related conditions. Algorithms developed to predict the effect of sequence changes on RNA splicing suggest that this variant may disrupt the consensus splice site. In summary, the currently available evidence indicates that the variant is pathogenic, but additional data are needed to prove that conclusively. Therefore, this variant has been classified as Likely Pathogenic.

Literature cited by the submitters: PubMed 16199547; PubMed 30057030.

NM_004618.5(TOP3A):c.644-11_644-2del

Gene: TOP3A (DNA topoisomerase III alpha; minus strand). Cytogenetic location: 17p11.2.
Variant type: Deletion.
Coding change: c.644-11_644-2del on transcript NM_004618.5 (MANE Select); 11 bases into the intron before coding-DNA position 644 through the canonical splice acceptor site of the intron before coding-DNA position 644, 10 bases deleted (TCACTCTCCA; older notation c.644-11_644-2delTCACTCTCCA).
Molecular consequence: splice acceptor variant.
Genome position (GRCh38, 1-based): chr17:18,302,436-18,302,445, TGGAGAGTGA deleted on the plus strand (TCACTCTCCA on the coding strand, the reverse complement: TOP3A is on the minus strand). VCF-style (leftmost placement, unchanged base first): chr17-18302435-CTGGAGAGTGA-C. GRCh37 (hg19) VCF-style: chr17-18205749-CTGGAGAGTGA-C.
Other names: c.359-11_359-2del (NM_001320759.2).
Identifiers: ClinVar variation 2872409 (VCV002872409.3), dbSNP rs2545622367, ClinGen allele CA2739267257.